The following is an entry in ClinVar:

NM_032043.3(BRIP1):c.254C>G (p.Ser85Ter)

Gene: BRIP1 (BRCA1 interacting DNA helicase 1; minus strand). Cytogenetic location: 17q23.2.
Variant type: single nucleotide variant.
Coding change: c.254C>G on transcript NM_032043.3 (MANE Select); coding-DNA position 254, C replaced by G.
Protein change: p.Ser85Ter; replaces serine 85 with a stop codon.
Molecular consequence: nonsense.
Genome position (GRCh38, 1-based): chr17:61,857,183, G>C on the plus strand (C>G on the coding strand, the complement: BRIP1 is on the minus strand). VCF-style: chr17-61857183-G-C. GRCh37 (hg19) VCF-style: chr17-59934544-G-C.
Other names: short protein forms S85*.
Identifiers: ClinVar variation 1074046 (VCV001074046.8), dbSNP rs587781830, ClinGen allele CA400485524.
Genomic context (GRCh38, chr17:61,857,183, plus strand): 5'-GAAGTTCCTTGGTTCATGTCATTGTTTGTAAAATCCTTTGAATGGCATGCACAACAACAT[G>C]ACAATTGTACTTCAGCTTTTTCACTTACGCCCTCATCTGCTGGTTTCCCTAAAAATGAAA-3'

ClinVar aggregate classification (germline): Pathogenic (1 of 4 stars; one submission).

Conditions:
Fanconi anemia complementation group J. Also called: BRIP1-Related Fanconi Anemia. Identifiers: Orphanet 84, MedGen C1836860, MONDO:0012187, OMIM 609054.
Familial cancer of breast. Also called: BREAST CANCER, FAMILIAL; hereditary breast carcinoma; Hereditary breast cancer. Identifiers: Orphanet 227535, MedGen C0346153, MONDO:0016419, OMIM 114480. Disease mechanism: loss of function.

Submission:

Labcorp Genetics (formerly Invitae), Labcorp
Classification: Pathogenic for Familial cancer of breast; Fanconi anemia complementation group J. Last evaluated: 2020-07-20. Review status: criteria provided, single submitter. Criteria: Invitae Variant Classification Sherloc (09022015). Collection method: clinical testing. Allele origin: germline.
Comment: For these reasons, this variant has been classified as Pathogenic. Loss-of-function variants in BRIP1 are known to be pathogenic (PMID: 16116423, 17033622, 21964575). This variant has not been reported in the literature in individuals with BRIP1-related conditions. This variant is not present in population databases (ExAC no frequency). This sequence change creates a premature translational stop signal (p.Ser85*) in the BRIP1 gene. It is expected to result in an absent or disrupted protein product.

Literature cited by the submitters: PubMed 16116423; PubMed 17033622; PubMed 21964575.